The following is an entry in ClinVar:

NM_001166114.2(PNPLA6):c.3781C>T (p.Arg1261Trp)

Gene: PNPLA6 (patatin like domain 6, lysophospholipase; plus strand). Cytogenetic location: 19p13.2.
Variant type: single nucleotide variant.
Coding change: c.3781C>T on transcript NM_001166114.2 (MANE Select); coding-DNA position 3781, C replaced by T.
Protein change: p.Arg1261Trp; replaces arginine 1261 with tryptophan.
Molecular consequence: missense variant.
Genome position (GRCh38, 1-based): chr19:7,560,729, C>T. VCF-style: chr19-7560729-C-T. GRCh37 (hg19) VCF-style: chr19-7625615-C-T.
Other names: c.3811C>T, p.Arg1271Trp (NM_001166111.2); c.3586C>T, p.Arg1196Trp (NM_001166112.2); c.3667C>T, p.Arg1223Trp (NM_001166113.1, NM_006702.5); c.3667C>T (NM_006702.4); short protein forms R1196W, R1223W, R1261W, R1271W.
Identifiers: ClinVar variation 2070703 (VCV002070703.2), dbSNP rs779906170, ClinGen allele CA9140576.

ClinVar aggregate classification (germline): Uncertain significance. Review status: criteria provided, multiple submitters, no conflicts (2 of 4 stars). 2 submissions from 2 submitters: Uncertain significance (2). Last evaluated 2023-06-29.

Conditions:
Hereditary spastic paraplegia 39 (SPG39). Also called: Spastic Paraplegia Type 39 (SPG39); SPASTIC PARAPLEGIA 39, AUTOSOMAL RECESSIVE. Identifiers: Orphanet 139480, MedGen C2677586, MONDO:0012787, OMIM 612020.

Allele frequency attached by ClinVar (database versions not stated): gnomAD exomes below 0.00001; gnomAD 0.00001; ExAC 0.00002.
gnomAD v4.1: 4 of 1,613,096 alleles (0.00025%); highest among the groups gnomAD compares: East Asian, 0.0022%; no homozygotes.

Submissions (2):

GeneDx
Classification: Uncertain significance. Last evaluated: 2023-06-29. Review status: criteria provided, single submitter. Criteria: GeneDx Variant Classification Process June 2021. Collection method: clinical testing. Allele origin: germline. Affected: yes.
Comment: Not observed at significant frequency in large population cohorts (gnomAD); In silico analysis supports that this missense variant does not alter protein structure/function; This variant is associated with the following publications: (PMID: 35069422)

Labcorp Genetics (formerly Invitae), Labcorp
Classification: Uncertain significance for Hereditary spastic paraplegia 39. Last evaluated: 2022-06-22. Review status: criteria provided, single submitter. Criteria: Invitae Variant Classification Sherloc (09022015). Collection method: clinical testing. Allele origin: germline.
Comment: This sequence change replaces arginine, which is basic and polar, with tryptophan, which is neutral and slightly polar, at codon 1223 of the PNPLA6 protein (p.Arg1223Trp). The frequency data for this variant in the population databases is considered unreliable, as metrics indicate poor data quality at this position in the gnomAD database. This missense change has been observed in individual(s) with clinical features of PNPLA6-related conditions (Invitae). In at least one individual the data is consistent with being in trans (on the opposite chromosome) from a pathogenic variant. It has also been observed to segregate with disease in related individuals. Algorithms developed to predict the effect of missense changes on protein structure and function are either unavailable or do not agree on the potential impact of this missense change (SIFT: "Deleterious"; PolyPhen-2: "Benign"; Align-GVGD: "Class C0"). In summary, the available evidence is currently insufficient to determine the role of this variant in disease. Therefore, it has been classified as a Variant of Uncertain Significance.